The following is an entry in ClinVar:

ClinVar aggregate classification (germline): Uncertain significance (1 of 4 stars; one submission).

Conditions:
Neurodevelopmental disorder with spasticity, seizures, and brain abnormalities (NEDSSBA). Identifiers: MedGen C5774197, MONDO:0859275, OMIM 620001.

Submission:

Juno Genomics, Hangzhou Juno Genomics, Inc
Classification: Uncertain significance for Neurodevelopmental disorder with spasticity, seizures, and brain abnormalities. Review status: criteria provided, single submitter. Criteria: ACMG Guidelines, 2015. Collection method: clinical testing. Allele origin: germline.
Comment: Absent from controls (or at extremely low frequency if recessive) in Genome Aggregation Database.;Protein length changes due to in-frame deletions/insertions in a non-repeat region or stop-loss variants.

NM_032141.4(NSRP1):c.1189CAA[1] (p.Gln398del)

Gene: NSRP1 (nuclear speckle splicing regulatory protein 1; plus strand). Cytogenetic location: 17q11.2.
Variant type: Microsatellite.
Coding change: c.1189CAA[1] on transcript NM_032141.4 (MANE Select); one copy of the 3-base unit CAA starting at c.1189; the reference has two copies in a row; one copy, 3 bases deleted; also written c.1192_1194del.
Protein change: p.Gln398del; deletes glutamine 398.
Molecular consequence: inframe deletion.
Genome position (GRCh38, 1-based): chr17:30,185,189-30,185,191, CAA deleted; deleting any 3 consecutive bases within chr17:30,185,185-30,185,191 gives the same sequence; the position shown is the placement nearest the transcript's 3' end. VCF-style (leftmost placement, unchanged base first): chr17-30185184-GACA-G. GRCh37 (hg19) VCF-style: chr17-28512202-GACA-G.
Other names: c.1192_1194del (NM_032141.4); c.1027CAA[1], p.Gln344del (NM_001261467.2); short protein forms Q398del, Q344del.
Identifiers: ClinVar variation 5005727 (VCV005005727.2).